The following is an entry in ClinVar:

ClinVar aggregate classification (germline): Pathogenic (1 of 4 stars; one submission).

Conditions:
Familial cancer of breast. Also called: Hereditary breast cancer; hereditary breast carcinoma; BREAST CANCER, FAMILIAL. Identifiers: Orphanet 227535, MedGen C0346153, MONDO:0016419, OMIM 114480. Disease mechanism: loss of function.

Submission:

Labcorp Genetics (formerly Invitae), Labcorp
Classification: Pathogenic for Familial cancer of breast. Last evaluated: 2020-09-09. Review status: criteria provided, single submitter. Criteria: Invitae Variant Classification Sherloc (09022015). Collection method: clinical testing. Allele origin: germline.
Comment: For these reasons, this variant has been classified as Pathogenic. Loss-of-function variants in CHEK2 are known to be pathogenic (PMID: 21876083, 24713400). This variant has not been reported in the literature in individuals with CHEK2-related conditions. This variant is not present in population databases (ExAC no frequency). This sequence change creates a premature translational stop signal (p.Ser19Hisfs*42) in the CHEK2 gene. It is expected to result in an absent or disrupted protein product.

Literature cited by the submitters: PubMed 21876083; PubMed 24713400.

NM_007194.4(CHEK2):c.55del (p.Ser19fs)

Gene: CHEK2 (checkpoint kinase 2; minus strand). Cytogenetic location: 22q12.1.
Variant type: Deletion.
Coding change: c.55del on transcript NM_007194.4 (MANE Select); coding-DNA position 55, one base deleted (T; older notation c.55delT).
Protein change: p.Ser19fs; shifts the reading frame from serine 19.
Molecular consequence: frameshift variant.
Genome position (GRCh38, 1-based): chr22:28,734,667, A deleted on the plus strand (T on the coding strand, the reverse complement: CHEK2 is on the minus strand); the first of 2 consecutive A bases (chr22:28,734,667-28,734,668); deleting either gives the same sequence. VCF-style (leftmost placement, unchanged base first): chr22-28734666-GA-G. GRCh37 (hg19) VCF-style: chr22-29130654-GA-G.
Other names: c.54delT, p.Ser19Hisfs (NM_001005735.3, NM_001349956.3, NM_145862.3); c.-724delT (NM_001257387.3); short protein forms S19fs.
Identifiers: ClinVar variation 1072359 (VCV001072359.8), dbSNP rs2146154644, ClinGen allele CA2499226109.